The following is an entry in ClinVar:

NM_033056.4(PCDH15):c.5353_5355del (p.Ser1785del)

Gene: PCDH15 (protocadherin related 15; minus strand). Cytogenetic location: 10q21.1.
Variant type: Deletion.
Coding change: c.5353_5355del on transcript NM_033056.4 (MANE Plus Clinical); coding-DNA positions 5353 to 5355, 3 bases deleted (TCT; older notation c.5353_5355delTCT).
Protein change: p.Ser1785del; deletes serine 1785.
Molecular consequence: inframe deletion. On other transcripts: intron variant (8).
Genome position (GRCh38, 1-based): chr10:53,822,371-53,822,373, AGA deleted on the plus strand (TCT on the coding strand, the reverse complement: PCDH15 is on the minus strand); deleting any 3 consecutive bases within chr10:53,822,371-53,822,375 gives the same sequence; the c. name uses the placement nearest the transcript's 3' end. VCF-style (leftmost placement, unchanged base first): chr10-53822370-TAGA-T. GRCh37 (hg19) VCF-style: chr10-55582130-TAGA-T.
Other names: c.5374_5376del, p.Ser1792del (NM_001142763.2); c.5359_5361del, p.Ser1787del (NM_001142764.2); c.5146_5148del, p.Ser1716del (NM_001142765.2); c.5344_5346del, p.Ser1782del (NM_001142766.2); c.5233_5235del, p.Ser1745del (NM_001142767.2); c.5293_5295del, p.Ser1765del (NM_001142768.2); c.5284_5286del, p.Ser1762del (NM_001142773.2); c.5287_5289del, p.Ser1763del (NM_001354404.2); and 7 more; short protein forms S1716del, S1745del, S1762del, S1763del, S1765del, S1782del, S1785del, S1787del.
Identifiers: ClinVar variation 1331248 (VCV001331248.3), dbSNP rs2132490441, ClinGen allele CA928497401.

ClinVar aggregate classification (germline): Uncertain significance (1 of 4 stars; one submission).

Submission:

GeneDx
Classification: Uncertain significance. Last evaluated: 2026-01-09. Review status: criteria provided, single submitter. Criteria: GeneDx Variant Classification Process June 2021. Collection method: clinical testing. Allele origin: germline. Affected: yes.
Comment: Not observed at significant frequency in large population cohorts (gnomAD); In-frame deletion of 1 amino acid in a non-repeat region; In silico analysis suggests that this variant does not alter protein structure/function; Has not been previously published as pathogenic or benign to our knowledge